The following is an entry in ClinVar:

NM_201384.3(PLEC):c.5756A>C (p.Gln1919Pro)

Gene: PLEC (plectin; minus strand). Cytogenetic location: 8q24.3.
Variant type: single nucleotide variant.
Coding change: c.5756A>C on transcript NM_201384.3 (MANE Select); coding-DNA position 5756, A replaced by C.
Protein change: p.Gln1919Pro; replaces glutamine 1919 with proline.
Molecular consequence: missense variant. On other transcripts: intron variant (1).
Genome position (GRCh38, 1-based): chr8:143,924,173, T>G on the plus strand (A>C on the coding strand, the complement: PLEC is on the minus strand). VCF-style: chr8-143924173-T-G. GRCh37 (hg19) VCF-style: chr8-144998341-T-G.
Other names: c.5837A>C, p.Gln1946Pro (NM_000445.5); c.5714A>C, p.Gln1905Pro (NM_201378.4); c.5690A>C, p.Gln1897Pro (NM_201379.3); c.6167A>C, p.Gln2056Pro (NM_201380.4); c.5660A>C, p.Gln1887Pro (NM_201381.3); c.5756A>C, p.Gln1919Pro (NM_201382.4); c.5768A>C, p.Gln1923Pro (NM_201383.3); c.4126-1778A>C (NM_001410941.1); short protein forms Q1919P, Q1887P, Q2056P, Q1897P, Q1923P, Q1946P, Q1905P.
Identifiers: ClinVar variation 2942345 (VCV002942345.3), dbSNP rs2537860013, ClinGen allele CA372541890.

ClinVar aggregate classification (germline): Uncertain significance (1 of 4 stars; one submission).

Conditions:
Epidermolysis bullosa simplex with nail dystrophy (EBS5D). Identifiers: MedGen C4225309, MONDO:0014661, OMIM 616487.
Epidermolysis bullosa simplex, Ogna type (EBS5A). Also called: Pidermolysis bullosa simplex 5A, Ogna type; EPIDERMOLYSIS BULLOSA SIMPLEX 5A, OGNA TYPE. Identifiers: Orphanet 79401, MedGen C0432317, MONDO:0007555, OMIM 131950.
Autosomal recessive limb-girdle muscular dystrophy type 2Q (LGMDR17). Also called: MUSCULAR DYSTROPHY, LIMB-GIRDLE, AUTOSOMAL RECESSIVE 17. Identifiers: Orphanet 254361, MedGen C3150989, MONDO:0013390, OMIM 613723.
Epidermolysis bullosa simplex 5B, with muscular dystrophy (EBS5B). Also called: EPIDERMOLYSIS BULLOSA SIMPLEX AND LIMB-GIRDLE MUSCULAR DYSTROPHY; Epidermolysis bullosa simplex with muscular dystrophy. Identifiers: Orphanet 257, MedGen C2931072, MONDO:0009181, OMIM 226670.
Epidermolysis bullosa simplex 5C, with pyloric atresia (EBS5C). Also called: PLEC-Related Epidermolysis Bullosa with Pyloric Atresia; Epidermolysis bullosa simplex with pyloric atresia; PLEC1-Related Epidermolysis Bullosa with Pyloric Atresia. Identifiers: Orphanet 158684, MedGen C2677349, MONDO:0012807, OMIM 612138.

Submission:

Labcorp Genetics (formerly Invitae), Labcorp
Classification: Uncertain significance for Autosomal recessive limb-girdle muscular dystrophy type 2Q; Epidermolysis bullosa simplex, Ogna type; Epidermolysis bullosa simplex with nail dystrophy; Epidermolysis bullosa simplex 5C, with pyloric atresia; Epidermolysis bullosa simplex 5B, with muscular dystrophy. Last evaluated: 2022-12-15. Review status: criteria provided, single submitter. Criteria: Invitae Variant Classification Sherloc (09022015). Collection method: clinical testing. Allele origin: germline.
Comment: In summary, the available evidence is currently insufficient to determine the role of this variant in disease. Therefore, it has been classified as a Variant of Uncertain Significance. Algorithms developed to predict the effect of missense changes on protein structure and function are either unavailable or do not agree on the potential impact of this missense change (SIFT: "Deleterious"; PolyPhen-2: "Not Available"; Align-GVGD: "Class C65"). This variant has not been reported in the literature in individuals affected with PLEC-related conditions. This variant is not present in population databases (gnomAD no frequency). This sequence change replaces glutamine, which is neutral and polar, with proline, which is neutral and non-polar, at codon 1946 of the PLEC protein (p.Gln1946Pro).